The following is an entry in ClinVar:

ClinVar aggregate classification (germline): Pathogenic/Likely pathogenic. Review status: criteria provided, multiple submitters, no conflicts (2 of 4 stars). 3 submissions from 3 submitters: Pathogenic (1); Likely pathogenic (1). 1 of the submissions does not count toward it. Last evaluated 2024-07-01.

Conditions:
Corneal dystrophy, Fuchs endothelial, 4 (FECD4). Identifiers: Orphanet 98974, MedGen C2750450, MONDO:0013204, OMIM 613268.
Corneal dystrophy-perceptive deafness syndrome (CDPD). Also called: CORNEAL DYSTROPHY AND SENSORINEURAL DEAFNESS; HARBOYAN SYNDROME. Identifiers: Orphanet 1490, MedGen C1857572, MONDO:0009015, OMIM 217400.

Submissions (3):

Natera, Inc.
Classification: Likely pathogenic for Corneal dystrophy-perceptive deafness syndrome. Last evaluated: 2024-07-01. Review status: criteria provided, single submitter. Criteria: Natera Variant Classification Schema (03/2026). Collection method: clinical testing. Allele origin: germline.
Comment: The c.99_100del variant in SLC4A11 is a frameshift variant predicted to shift the reading frame beginning at codon 34 and leads to a stop codon 17 codons downstream. This variant is expected to result in nonsense mediated decay, truncation, or a dysfunctional protein product. This variant is rare in the general population with a frequency below the threshold expected for the associated phenotype(s). Given the available evidence, this variant is classified as Likely Pathogenic.

Labcorp Genetics (formerly Invitae), Labcorp
Classification: Pathogenic. Last evaluated: 2021-07-13. Review status: criteria provided, single submitter. Criteria: Invitae Variant Classification Sherloc (09022015). Collection method: clinical testing. Allele origin: germline.
Comment: This variant is also known as c.99-100delTC and S33SfsX18. For these reasons, this variant has been classified as Pathogenic. ClinVar contains an entry for this variant (Variation ID: 1322). This premature translational stop signal has been observed in individual(s) with clinical features of Fuchs endothelial corneal dystrophy (PMID: 18024964). This variant is not present in population databases (ExAC no frequency). This sequence change creates a premature translational stop signal (p.Pro34Hisfs*17) in the SLC4A11 gene. It is expected to result in an absent or disrupted protein product. Loss-of-function variants in SLC4A11 are known to be pathogenic (PMID: 17220209, 17679935).

OMIM
Classification: Pathogenic for CORNEAL DYSTROPHY, FUCHS ENDOTHELIAL, 4. Last evaluated: 2006-07-01. Review status: no assertion criteria provided. Collection method: literature only. Allele origin: germline. Not counted in ClinVar's aggregate classification.

Literature cited by the submitters: PubMed 18024964 (cited by Labcorp Genetics (formerly Invitae), Labcorp); PubMed 17220209 (cited by Labcorp Genetics (formerly Invitae), Labcorp); PubMed 17679935 (cited by Labcorp Genetics (formerly Invitae), Labcorp); PubMed 16767101 (cited by OMIM).

NM_001174089.2(SLC4A11):c.51_52del (p.Pro18fs)

Gene: SLC4A11 (solute carrier family 4 member 11; minus strand). Cytogenetic location: 20p13.
Variant type: Microsatellite.
Coding change: c.51_52del on transcript NM_001174089.2 (MANE Select); coding-DNA positions 51 to 52, 2 bases deleted (TC; older notation c.51_52delTC).
Protein change: p.Pro18fs; shifts the reading frame from proline 18.
Molecular consequence: frameshift variant. On other transcripts: non-coding transcript variant (1).
Genome position (GRCh38, 1-based): chr20:3,237,580-3,237,581, GA deleted on the plus strand (TC on the coding strand, the reverse complement: SLC4A11 is on the minus strand); deleting any 2 consecutive bases within chr20:3,237,580-3,237,584 gives the same sequence; the c. name uses the placement nearest the transcript's 3' end. VCF-style (leftmost placement, unchanged base first): chr20-3237579-GGA-G. GRCh37 (hg19) VCF-style: chr20-3218225-GGA-G.
Other names: c.99_100del (NM_032034.3); c.180_181del, p.Pro61fs (NM_001174090.2); c.51_52del, p.Pro18fs (NM_001363745.2); c.99_100del, p.Pro34fs (NM_032034.4); c.99_100delTC (NM_032034.3); short protein forms P34fs, P61fs, P18fs.
Identifiers: ClinVar variation 1322 (VCV000001322.7), dbSNP rs1600618680, ClinGen allele CA913185034.